The following is an entry in ClinVar:

NM_017534.6(MYH2):c.1901_1902inv (p.Gly634Val)

Genes: MYH2 (myosin heavy chain 2; minus strand), MYHAS (myosin heavy chain gene cluster antisense RNA; plus strand). Cytogenetic location: 17p13.1.
Variant type: Inversion.
Coding change: c.1901_1902inv on transcript NM_017534.6 (MANE Select).
Protein change: p.Gly634Val; replaces glycine 634 with valine.
Molecular consequence: missense variant.
Genome position: GRCh38 VCF-style: chr17-10536602-TC-GA. GRCh37 (hg19) VCF-style: chr17-10439919-TC-GA.
Other names: c.1901_1902inv, p.Gly634Val (NM_001100112.2); short protein forms G634V.
Identifiers: ClinVar variation 2116242 (VCV002116242.4), ClinGen allele CA2580092529.

ClinVar aggregate classification (germline): Uncertain significance (1 of 4 stars; one submission).

Conditions:
Myopathy, proximal, and ophthalmoplegia (CMYO6). Also called: INCLUSION BODY MYOPATHY 3, AUTOSOMAL DOMINANT; MYOPATHY WITH CONGENITAL JOINT CONTRACTURES, OPHTHALMOPLEGIA, AND RIMMED VACUOLES; CONGENITAL MYOPATHY 6 WITH OPHTHALMOPLEGIA. Identifiers: Orphanet 363677, Orphanet 79091, MedGen C1854106, MONDO:0011577, OMIM 605637.

Submission:

Labcorp Genetics (formerly Invitae), Labcorp
Classification: Uncertain significance for Myopathy, proximal, and ophthalmoplegia. Last evaluated: 2026-01-11. Review status: criteria provided, single submitter. Criteria: Invitae Variant Classification Sherloc (09022015). Collection method: clinical testing. Allele origin: germline.
Comment: This sequence change replaces glycine, which is neutral and non-polar, with valine, which is neutral and non-polar, at codon 634 of the MYH2 protein (p.Gly634Val). This variant is present in population databases (no rsID available, gnomAD 0.0008%). This variant has not been reported in the literature in individuals affected with MYH2-related conditions. ClinVar contains an entry for this variant (Variation ID: 2116242). An algorithm developed to predict the effect of missense changes on protein structure and function (PolyPhen-2) suggests that this variant is likely to be tolerated. In summary, the available evidence is currently insufficient to determine the role of this variant in disease. Therefore, it has been classified as a Variant of Uncertain Significance.